The following is an entry in ClinVar:

NM_002796.3(PSMB4):c.28G>A (p.Gly10Arg)

Gene: PSMB4 (proteasome 20S subunit beta 4; plus strand). Cytogenetic location: 1q21.3.
Variant type: single nucleotide variant.
Coding change: c.28G>A on transcript NM_002796.3 (MANE Select); coding-DNA position 28, G replaced by A.
Protein change: p.Gly10Arg; replaces glycine 10 with arginine.
Molecular consequence: missense variant.
Genome position (GRCh38, 1-based): chr1:151,399,615, G>A. VCF-style: chr1-151399615-G-A. GRCh37 (hg19) VCF-style: chr1-151372091-G-A.
Other names: short protein forms G10R.
Identifiers: ClinVar variation 1402504 (VCV001402504.6), dbSNP rs11557386, ClinGen allele CA1090554.

ClinVar aggregate classification (germline): Uncertain significance (1 of 4 stars; one submission).

Allele frequency attached by ClinVar (database versions not stated): ExAC 0.00003; gnomAD 0.00004; TOPMed 0.00006; gnomAD exomes 0.00009.

Submission:

Labcorp Genetics (formerly Invitae), Labcorp
Classification: Uncertain significance. Last evaluated: 2025-11-05. Review status: criteria provided, single submitter. Criteria: Invitae Variant Classification Sherloc (09022015). Collection method: clinical testing. Allele origin: germline.
Comment: This sequence change replaces glycine, which is neutral and non-polar, with arginine, which is basic and polar, at codon 10 of the PSMB4 protein (p.Gly10Arg). This variant is present in population databases (rs11557386, gnomAD 0.03%). This variant has not been reported in the literature in individuals affected with PSMB4-related conditions. ClinVar contains an entry for this variant (Variation ID: 1402504). An algorithm developed to predict the effect of missense changes on protein structure and function outputs the following: PolyPhen-2: "Benign". The arginine amino acid residue is found in multiple mammalian species, which suggests that this missense change does not adversely affect protein function. In summary, the available evidence is currently insufficient to determine the role of this variant in disease. Therefore, it has been classified as a Variant of Uncertain Significance.